The following is an entry in ClinVar:

ClinVar aggregate classification (germline): Likely pathogenic (1 of 4 stars; one submission).

Conditions:
Multiple congenital anomalies-hypotonia-seizures syndrome 1 (MCAHS1). Also called: GLYCOSYLPHOSPHATIDYLINOSITOL BIOSYNTHESIS DEFECT 3; PIGN-CDG; Congenital disorder of glycosylation due to PIGN deficiency. Identifiers: Orphanet 280633, MedGen C3279775, MONDO:0013563, OMIM 614080.

gnomAD v4.1: 3 of 1,599,948 alleles (0.00019%); highest among the groups gnomAD compares: South Asian, 0.0034%; no homozygotes.

Submission:

Diagnostics Services (NGS), CSIR - Centre For Cellular And Molecular Biology
Classification: Likely pathogenic for Multiple congenital anomalies-hypotonia-seizures syndrome 1. Last evaluated: 2026-05-22. Review status: criteria provided, single submitter. Criteria: ACMG Guidelines, 2015. Collection method: clinical testing. Allele origin: germline. Affected: no. Observed: 2 variant alleles, 2 heterozygotes.
Comment: The c.1434+1G>A variant is not present in 1000 Genomes, EVS, gnomAD or our internal database. This variant is present in the Indian Exome Database, at low frequency. This variant has neither been published in literature in individuals affected with PIGN-related conditions nor reported to the clinical databases like Human Genome Mutation Database (HGMD), ClinVar or OMIM, in any affected individuals. Algorithms developed to predict the effect of sequence changes on RNA splicing suggest that this variant can disrupt the consensus splice site. In-silico pathogenicity prediction programs like HSF-Pro, MutationTaster2, CADD, Varsome, Franklin etc predicted the variant to be likely deleterious, however these predictions were not confirmed by published functional/translational studies. This variant has been identified in a couple as a part of carrier screening

NM_176787.5(PIGN):c.1434+1G>A

Gene: PIGN (phosphatidylinositol glycan anchor biosynthesis class N; minus strand). Cytogenetic location: 18q21.33.
Variant type: single nucleotide variant.
Coding change: c.1434+1G>A on transcript NM_176787.5 (MANE Select); the canonical splice donor site of the intron after coding-DNA position 1434, G replaced by A.
Molecular consequence: splice donor variant. On other transcripts: intron variant (1).
Genome position (GRCh38, 1-based): chr18:62,113,133, C>T on the plus strand (G>A on the coding strand, the complement: PIGN is on the minus strand). VCF-style: chr18-62113133-C-T. GRCh37 (hg19) VCF-style: chr18-59780366-C-T.
Other names: c.1173-6048G>A (NM_001438910.1); c.1434+1G>A (NM_012327.6, NM_001438896.1, NM_001438905.1 and 1 more transcripts).
Identifiers: ClinVar variation 4852779 (VCV004852779.1).